The following is an entry in ClinVar:

NM_001267550.2(TTN):c.14161T>A (p.Cys4721Ser)

Gene: TTN (titin; minus strand). Cytogenetic location: 2q31.2.
Variant type: single nucleotide variant.
Coding change: c.14161T>A on transcript NM_001267550.2 (MANE Select); coding-DNA position 14161, T replaced by A.
Protein change: p.Cys4721Ser; replaces cysteine 4721 with serine.
Molecular consequence: missense variant.
Genome position (GRCh38, 1-based): chr2:178,738,292, A>T on the plus strand (T>A on the coding strand, the complement: TTN is on the minus strand). VCF-style: chr2-178738292-A-T. GRCh37 (hg19) VCF-style: chr2-179603019-A-T.
Other names: c.13210T>A, p.Cys4404Ser (NM_001256850.1); c.13072T>A, p.Cys4358Ser (NM_003319.4); c.10429T>A, p.Cys3477Ser (NM_133378.4); c.13447T>A, p.Cys4483Ser (NM_133432.3); c.13648T>A, p.Cys4550Ser (NM_133437.4); short protein forms C3477S, C4358S, C4404S, C4483S, C4550S, C4721S.
Identifiers: ClinVar variation 3897975 (VCV003897975.1).

ClinVar aggregate classification (germline): Uncertain significance (1 of 4 stars; one submission).

Conditions:
Early-onset myopathy with fatal cardiomyopathy (CMYO5). Also called: CONGENITAL MYOPATHY 5 WITH CARDIOMYOPATHY; Salih Myopathy. Identifiers: Orphanet 289377, MedGen C2673677, MONDO:0012714, OMIM 611705. Disease mechanism: loss of function.

gnomAD v4.1: 4 of 1,613,544 alleles (0.00025%); highest among the groups gnomAD compares: South Asian, 0.0033%; no homozygotes.

Submission:

Neuberg Centre For Genomic Medicine, NCGM
Classification: Uncertain significance for Early-onset myopathy with fatal cardiomyopathy. Last evaluated: 2024-02-01. Review status: criteria provided, single submitter. Criteria: ACMG Guidelines, 2015. Collection method: clinical testing. Allele origin: germline. Inheritance: Autosomal recessive inheritance.
Comment: The missense variant has not been reported previously as a pathogenic variant nor as a benign variant, to our knowledge.